The following is an entry in ClinVar:

ClinVar aggregate classification (germline): Uncertain significance (1 of 4 stars; one submission).

Conditions:
Chopra-Amiel-Gordon syndrome (CAGS). Also called: ANKRD17-Related Neurodevelopmental Syndrome. Identifiers: MedGen C5561975, MONDO:0859186, OMIM 619504.

Submission:

3billion
Classification: Uncertain significance for Chopra-Amiel-Gordon syndrome. Last evaluated: 2024-08-01. Review status: criteria provided, single submitter. Criteria: ACMG Guidelines, 2015. Collection method: clinical testing. Allele origin: germline. Affected: yes.
Comment: The variant is not observed in the gnomAD v4.0.0 dataset. Predicted Consequence/Location: Inframe deletion located in a nonrepeat region: predicted to change the length of the protein and disrupt normal protein function. Therefore, this variant is classified as VUS according to the recommendation of ACMG/AMP guideline.

NM_032217.5(ANKRD17):c.582_587del (p.Phe195_Ala196del)

Gene: ANKRD17 (ankyrin repeat domain 17; minus strand). Cytogenetic location: 4q13.3.
Variant type: Deletion.
Coding change: c.582_587del on transcript NM_032217.5 (MANE Select); coding-DNA positions 582 to 587, 6 bases deleted (CTTTGC; older notation c.582_587delCTTTGC).
Protein change: p.Phe195_Ala196del.
Molecular consequence: inframe deletion.
Genome position (GRCh38, 1-based): chr4:73,161,309-73,161,314, GCAAAG deleted on the plus strand (CTTTGC on the coding strand, the reverse complement: ANKRD17 is on the minus strand); deleting any 6 consecutive bases within chr4:73,161,309-73,161,316 gives the same sequence; the c. name uses the placement nearest the transcript's 3' end. VCF-style (leftmost placement, unchanged base first): chr4-73161308-TGCAAAG-T. GRCh37 (hg19) VCF-style: chr4-74027025-TGCAAAG-T.
Other names: c.243_248del, p.Phe82_Ala83del (NM_001286771.3); c.582_587del, p.Phe195_Ala196del (NM_015574.2, NM_198889.3).
Identifiers: ClinVar variation 4292181 (VCV004292181.1).